The following is an entry in ClinVar:

ClinVar aggregate classification (germline): Pathogenic (1 of 4 stars; one submission).

Conditions:
Usher syndrome type 2C. Also called: Usher syndrome, type 2B; USHER SYNDROME, TYPE IIC. Identifiers: Orphanet 231178, Orphanet 886, MedGen C2931213, MONDO:0011558, OMIM 605472.

Submission:

MVZ Medizinische Genetik Mainz
Classification: Pathogenic for Usher syndrome type 2C. Last evaluated: 2023-02-27. Review status: criteria provided, single submitter. Criteria: UK Practice Guidelines For Variant Classification V4 01 2020. Collection method: clinical testing. Allele origin: germline. Inheritance: Autosomal recessive inheritance. Affected: yes. Observed: 1 variant allele.
Comment: ACMG Criteria: PVS1, PM2_SUP, PM3_SUP

NM_032119.4(ADGRV1):c.12696_12699dup (p.Phe4234fs)

Gene: ADGRV1 (adhesion G protein-coupled receptor V1; plus strand). Cytogenetic location: 5q14.3.
Variant type: Duplication.
Coding change: c.12696_12699dup on transcript NM_032119.4 (MANE Select); coding-DNA positions 12696 to 12699, 4 bases duplicated (AAGC; older notation c.12696_12699dupAAGC).
Protein change: p.Phe4234fs; shifts the reading frame from phenylalanine 4234.
Molecular consequence: frameshift variant. On other transcripts: non-coding transcript variant (1).
Genome position (GRCh38, 1-based): chr5:90,778,456-90,778,459, AAGC duplicated. VCF-style (leftmost placement, unchanged base first): chr5-90778455-A-AAAGC. GRCh37 (hg19) VCF-style: chr5-90074272-A-AAAGC.
Other names: short protein forms F4234fs.
Identifiers: ClinVar variation 3066298 (VCV003066298.1), dbSNP rs2531865376, ClinGen allele CA2740097844.